The following is an entry in ClinVar:

ClinVar aggregate classification (germline): Likely benign (1 of 4 stars; one submission).

Conditions:
SHANK3-related disorder. Also called: SHANK3-related condition.

Submission:

PreventionGenetics, part of Exact Sciences
Classification: Likely benign for SHANK3-related condition. Last evaluated: 2025-08-04. Review status: criteria provided, single submitter. Criteria: ACMG Guidelines, 2015. Collection method: clinical testing. Allele origin: germline.
Comment: This variant is classified as likely benign based on ACMG/AMP sequence variant interpretation guidelines (Richards et al. 2015 PMID: 25741868, with internal and published modifications).

NM_001372044.2(SHANK3):c.*34T>G

Gene: SHANK3 (SH3 and multiple ankyrin repeat domains 3; plus strand). Cytogenetic location: 22q13.33.
Variant type: single nucleotide variant.
Coding change: c.*34T>G on transcript NM_001372044.2 (MANE Select); 34 bases downstream of the stop codon, T replaced by G.
Molecular consequence: 3 prime UTR variant.
Genome position (GRCh38, 1-based): chr22:50,731,346, T>G. VCF-style: chr22-50731346-T-G. GRCh37 (hg19) VCF-style: chr22-51169774-T-G.
Other names: c.*34T>G (NM_033517.1).
Identifiers: ClinVar variation 4981797 (VCV004981797.1).